The following is an entry in ClinVar:

NM_175914.5(HNF4A):c.145C>T (p.His49Tyr)

Gene: HNF4A (hepatocyte nuclear factor 4 alpha; plus strand). Cytogenetic location: 20q13.12.
Variant type: single nucleotide variant.
Coding change: c.145C>T on transcript NM_175914.5 (MANE Select); coding-DNA position 145, C replaced by T.
Protein change: p.His49Tyr; replaces histidine 49 with tyrosine.
Molecular consequence: missense variant.
Genome position (GRCh38, 1-based): chr20:44,406,153, C>T. VCF-style: chr20-44406153-C-T. GRCh37 (hg19) VCF-style: chr20-43034793-C-T.
Other names: NM_175914.5(HNF4A):c.145C>T; p.His49Tyr; c.211C>T, p.His71Tyr (NM_000457.6, NM_178849.3, NM_178850.3); c.145C>T, p.His49Tyr (NM_001030003.3, NM_001030004.3); c.190C>T, p.His64Tyr (NM_001258355.2); c.136C>T, p.His46Tyr (NM_001287182.2, NM_001287183.2, NM_001287184.2); short protein forms H46Y, H49Y, H64Y, H71Y.
Identifiers: ClinVar variation 3609795 (VCV003609795.2).

ClinVar aggregate classification (germline): Pathogenic. Review status: reviewed by expert panel (3 of 4 stars). 2 submissions from 2 submitters: Pathogenic (1). 1 of the submissions does not count toward it. Last evaluated 2025-09-15.

Conditions:
Monogenic diabetes. Identifiers: Orphanet 183625, MedGen C3888631, MONDO:0015967.

Submissions (2):

ClinGen Monogenic Diabetes Variant Curation Expert Panel
Classification: Pathogenic for Monogenic diabetes. Last evaluated: 2025-09-15. Review status: reviewed by expert panel. Criteria: ClinGen Diabetes ACMG Specifications HNF4A V3.0.0. Collection method: curation. Allele origin: germline. Inheritance: Autosomal dominant inheritance.
Comment: The c.145C>T variant in the hepatocyte nuclear factor 4-alpha gene, HNF4A, causes an amino acid change of histidine to tyrosine at codon 49 (p.(His49Tyr)) of NM_175914.5. This variant is absent from gnomAD v4.1.0 (PM2_Supporting). This variant is predicted to be deleterious by computational evidence, with a REVEL score of 0.993, which is greater than the MDEP VCEP threshold of 0.70 (PP3). This variant resides in an amino acid within the HNF4α DNA binding domain that directly binds DNA, which is defined as critical for the protein’s function by the ClinGen MDEP (PM1). This variant was identified in two individuals with unrelated individuals with non-autoimmune and non-absolute/near-absolute insulin-deficient diabetes and one with hyperinsulinemic hypoglycemia; however, PS4_Moderate cannot be applied because this number is below the ClinGen MDEP threshold (PMID: 31595705, internal lab contributors). One of these individuals did have a clinical history highly specific for HNF4A-monogenic diabetes (MODY probability calculator result >50%, negative genetic testing for HNF1A, negative diabetes autoantibodies, and sulfonyurea sensitive) (PP4_Moderate; internal lab contributors). Additionally, this variant was identified as a de novo occurrence with confirmed parental relationships in an individual with a clinical picture consistent with HNF4A-MODY (hyperinsulinemic hypoglycemia and negative genetic testing for ABCC8 and KCNJ11) (PS2; internal lab contributors). This variant segregated with diabetes, with two informative meioses in two families (PP1; PMID: 31595705, internal lab contributors). In summary, c.145C>T meets the criteria to be classified as pathogenic for monogenic diabetes. ACMG/AMP criteria applied, as specified by the ClinGen MDEP (specification version 3.0.0, approved 6/30/2025): PS2, PM1, PP4_Moderate, PM2_Supporting, PP1, PP3.

Labcorp Genetics (formerly Invitae), Labcorp
Classification: Uncertain significance. Last evaluated: 2024-12-10. Review status: criteria provided, single submitter. Criteria: Invitae Variant Classification Sherloc (09022015). Collection method: clinical testing. Allele origin: germline. Not counted in ClinVar's aggregate classification.
Comment: This sequence change replaces histidine, which is basic and polar, with tyrosine, which is neutral and polar, at codon 49 of the HNF4A protein (p.His49Tyr). This variant is not present in population databases (gnomAD no frequency). This missense change has been observed in individual(s) with clinical features of maturity onset diabetes of the young (PMID: 31595705; internal data). Invitae Evidence Modeling of protein sequence and biophysical properties (such as structural, functional, and spatial information, amino acid conservation, physicochemical variation, residue mobility, and thermodynamic stability) has been performed for this missense variant. However, the output from this modeling did not meet the statistical confidence thresholds required to predict the impact of this variant on HNF4A protein function. This variant disrupts the p.His49 amino acid residue in HNF4A. Other variant(s) that disrupt this residue have been observed in individuals with HNF4A-related conditions (PMID: 29927023; internal data), which suggests that this may be a clinically significant amino acid residue. In summary, the available evidence is currently insufficient to determine the role of this variant in disease. Therefore, it has been classified as a Variant of Uncertain Significance.

Literature cited by the submitters: PubMed 31595705 (cited by ClinGen Monogenic Diabetes Variant Curation Expert Panel and Labcorp Genetics (formerly Invitae), Labcorp); PubMed 29927023 (cited by Labcorp Genetics (formerly Invitae), Labcorp).